The following is an entry in ClinVar:

ClinVar aggregate classification (germline): Pathogenic (1 of 4 stars; one submission).

Submission:

Labcorp Genetics (formerly Invitae), Labcorp
Classification: Pathogenic. Last evaluated: 2022-11-04. Review status: criteria provided, single submitter. Criteria: Invitae Variant Classification Sherloc (09022015). Collection method: clinical testing. Allele origin: germline.
Comment: For these reasons, this variant has been classified as Pathogenic. This variant has not been reported in the literature in individuals affected with ADAMTS10-related conditions. This variant is not present in population databases (gnomAD no frequency). This sequence change creates a premature translational stop signal (p.His524Argfs*109) in the ADAMTS10 gene. It is expected to result in an absent or disrupted protein product. Loss-of-function variants in ADAMTS10 are known to be pathogenic (PMID: 15368195, 18567016).

Literature cited by the submitters: PubMed 15368195; PubMed 18567016.

NM_030957.4(ADAMTS10):c.1569_1581del (p.His524fs)

Gene: ADAMTS10 (ADAM metallopeptidase with thrombospondin type 1 motif 10; minus strand). Cytogenetic location: 19p13.2.
Variant type: Deletion.
Coding change: c.1569_1581del on transcript NM_030957.4 (MANE Select); coding-DNA positions 1569 to 1581, 13 bases deleted (GCACACCATCGAC).
Protein change: p.His524fs; shifts the reading frame from histidine 524.
Molecular consequence: frameshift variant.
Genome position (GRCh38, 1-based): chr19:8,592,769-8,592,781, GTCGATGGTGTGC deleted on the plus strand (GCACACCATCGAC on the coding strand, the reverse complement: ADAMTS10 is on the minus strand); deleting any 13 consecutive bases within chr19:8,592,769-8,592,784 gives the same sequence; the c. name uses the placement nearest the transcript's 3' end. VCF-style (leftmost placement, unchanged base first): chr19-8592768-TGTCGATGGTGTGC-T. GRCh37 (hg19) VCF-style: chr19-8657652-TGTCGATGGTGTGC-T.
Other names: short protein forms H524fs.
Identifiers: ClinVar variation 2036670 (VCV002036670.4), dbSNP rs2512608847, ClinGen allele CA2580097159.
Genomic context (GRCh38, chr19:8,592,768, plus strand): 5'-CGCGGGAGGTGGCTCAGGGGGCGTGGCCCAGTTGGGGGCCCTGGCCGGCGCTCACCCCCT[TGTCGATGGTGTGC>T]GTCTGGCACAGCGTGCCCTCGGCGGCCGGGATGCTGTTGGTGATGCACCGGTTGCTCTTG-3'